The following is an entry in ClinVar:

NM_000059.4(BRCA2):c.4249A>G (p.Asn1417Asp)

Gene: BRCA2 (BRCA2 DNA repair associated; plus strand). Cytogenetic location: 13q13.1.
Variant type: single nucleotide variant.
Coding change: c.4249A>G on transcript NM_000059.4 (MANE Select); coding-DNA position 4249, A replaced by G.
Protein change: p.Asn1417Asp; replaces asparagine 1417 with aspartic acid.
Molecular consequence: missense variant. On other transcripts: non-coding transcript variant (1), intron variant (2).
Genome position (GRCh38, 1-based): chr13:32,338,604, A>G. VCF-style: chr13-32338604-A-G. GRCh37 (hg19) VCF-style: chr13-32912741-A-G.
Other names: c.4249A>G, p.Asn1417Asp (NM_001406719.1, NM_001406720.1, NM_001432077.1); c.1909+5217A>G (NM_001406721.1); c.425-5954A>G (NM_001406722.1); short protein forms N1417D.
Identifiers: ClinVar variation 4824549 (VCV004824549.1).

ClinVar aggregate classification (germline): Uncertain significance (1 of 4 stars; one submission).

Conditions:
Hereditary cancer-predisposing syndrome. Also called: Neoplastic Syndromes, Hereditary; Hereditary neoplastic syndrome; Tumor predisposition; Hereditary Cancer Syndrome. Identifiers: Orphanet 140162, MedGen C0027672, MeSH D009386, MONDO:0015356.

Submission:

Ambry Genetics
Classification: Uncertain significance for Hereditary cancer-predisposing syndrome. Last evaluated: 2026-02-16. Review status: criteria provided, single submitter. Criteria: Ambry Variant Classification Scheme 2023. Collection method: clinical testing. Allele origin: germline.
Comment: The p.N1417D variant (also known as c.4249A>G), located in coding exon 10 of the BRCA2 gene, results from an A to G substitution at nucleotide position 4249. The asparagine at codon 1417 is replaced by aspartic acid, an amino acid with highly similar properties. This amino acid position is conserved. In addition, this alteration is predicted to be tolerated by in silico analysis. Based on the available evidence, the clinical significance of this variant remains unclear.